The following is an entry in ClinVar:

NM_020631.6(PLEKHG5):c.2664G>T (p.Gly888=)

Gene: PLEKHG5 (pleckstrin homology and RhoGEF domain containing G5; minus strand). Cytogenetic location: 1p36.31.
Variant type: single nucleotide variant.
Coding change: c.2664G>T on transcript NM_020631.6 (MANE Select); coding-DNA position 2664, G replaced by T.
Protein change: p.Gly888=; no amino-acid change (glycine 888 retained).
Molecular consequence: synonymous variant.
Genome position (GRCh38, 1-based): chr1:6,468,172, C>A on the plus strand (G>T on the coding strand, the complement: PLEKHG5 is on the minus strand). VCF-style: chr1-6468172-C-A. GRCh37 (hg19) VCF-style: chr1-6528232-C-A.
Other names: c.2775G>T, p.Gly925= (NM_001042663.3, NM_001265592.2); c.2664G>T, p.Gly888= (NM_001042664.2, NM_001042665.2, NM_001265594.3 and 1 more transcripts); c.2871G>T, p.Gly957= (NM_001265593.2).
Identifiers: ClinVar variation 656100 (VCV000656100.1), dbSNP rs1569832075, ClinGen allele CA416022572.

ClinVar aggregate classification (germline): Uncertain significance (1 of 4 stars; one submission).

Conditions:
Charcot-Marie-Tooth disease recessive intermediate C. Also called: CHARCOT-MARIE-TOOTH NEUROPATHY, RECESSIVE INTERMEDIATE C. Identifiers: Orphanet 369867, MedGen C3809309, MONDO:0014154, OMIM 615376.
Neuronopathy, distal hereditary motor, autosomal recessive 4. Also called: Autosomal recessive lower motor neuron disease with childhood onset; NEUROPATHY, DISTAL HEREDITARY MOTOR, AUTOSOMAL RECESSIVE 4. Identifiers: Orphanet 206580, MedGen C1970211, MONDO:0012608, OMIM 611067.

Submission:

Labcorp Genetics (formerly Invitae), Labcorp
Classification: Uncertain significance for Distal spinal muscular atrophy, autosomal recessive 4; Charcot-Marie-Tooth disease, recessive intermediate c. Last evaluated: 2018-10-24. Review status: criteria provided, single submitter. Criteria: Invitae Variant Classification Sherloc (09022015). Collection method: clinical testing. Allele origin: germline.
Comment: This sequence change affects codon 888 of the PLEKHG5 mRNA. It is a 'silent' change, meaning that it does not change the encoded amino acid sequence of the PLEKHG5 protein. This variant is not present in population databases (ExAC no frequency). This variant has not been reported in the literature in individuals with PLEKHG5-related disease. Algorithms developed to predict the effect of sequence changes on RNA splicing suggest that this variant may create or strengthen a splice site, but this prediction has not been confirmed by published transcriptional studies. In summary, the available evidence is currently insufficient to determine the role of this variant in disease. Therefore, it has been classified as a Variant of Uncertain Significance.